The following is an entry in ClinVar:

ClinVar aggregate classification (germline): Uncertain significance (1 of 4 stars; one submission).

Conditions:
Hereditary cancer-predisposing syndrome. Also called: Tumor predisposition; Hereditary Cancer Syndrome; Hereditary neoplastic syndrome; Neoplastic Syndromes, Hereditary. Identifiers: Orphanet 140162, MedGen C0027672, MeSH D009386, MONDO:0015356.

gnomAD v4.1: 2 of 1,614,234 alleles (0.00012%); highest among the groups gnomAD compares: Non-Finnish European, 0.00017%; no homozygotes.

Submission:

Ambry Genetics
Classification: Uncertain significance for Hereditary cancer-predisposing syndrome. Last evaluated: 2024-04-28. Review status: criteria provided, single submitter. Criteria: Ambry Variant Classification Scheme 2023. Collection method: clinical testing. Allele origin: germline.
Comment: The p.C1006R variant (also known as c.3016T>C), located in coding exon 18 of the ALK gene, results from a T to C substitution at nucleotide position 3016. The cysteine at codon 1006 is replaced by arginine, an amino acid with highly dissimilar properties. This amino acid position is conserved. In addition, this alteration is predicted to be deleterious by in silico analysis. Based on the available evidence, the clinical significance of this variant remains unclear.

NM_004304.5(ALK):c.3016T>C (p.Cys1006Arg)

Gene: ALK (ALK receptor tyrosine kinase; minus strand). Cytogenetic location: 2p23.2.
Variant type: single nucleotide variant.
Coding change: c.3016T>C on transcript NM_004304.5 (MANE Select); coding-DNA position 3016, T replaced by C.
Protein change: p.Cys1006Arg; replaces cysteine 1006 with arginine.
Molecular consequence: missense variant.
Genome position (GRCh38, 1-based): chr2:29,226,973, A>G on the plus strand (T>C on the coding strand, the complement: ALK is on the minus strand). VCF-style: chr2-29226973-A-G. GRCh37 (hg19) VCF-style: chr2-29449839-A-G.
Other names: short protein forms C1006R.
Identifiers: ClinVar variation 3286045 (VCV003286045.1).